The following is an entry in ClinVar:

NR_001564.3(XIST):n.4895C>G

Gene: XIST (X inactive specific transcript; minus strand). Cytogenetic location: Xq13.2.
Variant type: single nucleotide variant.
Genome position: GRCh38 VCF-style: chrX-73847820-G-C. GRCh37 (hg19) VCF-style: chrX-73067655-G-C.
Identifiers: ClinVar variation 3037539 (VCV003037539.2), dbSNP rs201357240, ClinGen allele CA10453437.
Genomic context (GRCh38, chrX:73,847,820, plus strand): 5'-AAGAGAAGGACTCTGGGTTTCCAGCATCCCTTTCTATAATGTAAAAGGGGTAGAATATAG[G>C]TTTAAAGGGAGAGACCATGAACATTGGAATTTTGCACATTCATAGTCCCAGGGAAAGGTA-3'

ClinVar aggregate classification (germline): Likely benign (0 of 4 stars; one submission).

Conditions:
XIST-related disorder. Also called: XIST-related condition.

Allele frequency attached by ClinVar (database versions not stated): ESP Exome Variant Server 0.00066; gnomAD 0.00130; TOPMed 0.00190; gnomAD exomes 0.00238; ExAC 0.00242; 1000 Genomes Project 30x 0.00416; 1000 Genomes Project 0.00450.
gnomAD v4.1: 1,223 of 557,211 alleles (0.22%); highest among the groups gnomAD compares: Middle Eastern, 2%; 11 homozygotes.

Submission:

PreventionGenetics, part of Exact Sciences
Classification: Likely benign for XIST-related condition. Last evaluated: 2019-03-20. Review status: no assertion criteria provided. Collection method: clinical testing. Allele origin: germline.
Comment: This variant is classified as likely benign based on ACMG/AMP sequence variant interpretation guidelines (Richards et al. 2015 PMID: 25741868, with internal and published modifications).